The following is an entry in ClinVar:

ClinVar aggregate classification (germline): Likely benign. Review status: criteria provided, multiple submitters, no conflicts (2 of 4 stars). 2 submissions from 2 submitters: Likely benign (2). Last evaluated 2026-01-01.

Allele frequency attached by ClinVar (database versions not stated): gnomAD exomes below 0.00001 and 0.00001; ExAC 0.00002.
gnomAD v4.1: 3 of 1,587,492 alleles (0.00019%); highest among the groups gnomAD compares: Non-Finnish European, 0.000086%; no homozygotes.

Submissions (2):

CeGaT Center for Human Genetics Tuebingen
Classification: Likely benign. Last evaluated: 2026-01-01. Review status: criteria provided, single submitter. Criteria: CeGaT Center For Human Genetics Tuebingen Variant Classification Criteria Version 2. Collection method: clinical testing. Allele origin: germline. Affected: yes. Observed: 2 variant alleles.
Comment: DCHS1: BP4, BP7

Labcorp Genetics (formerly Invitae), Labcorp
Classification: Likely benign. Last evaluated: 2024-12-04. Review status: criteria provided, single submitter. Criteria: Invitae Variant Classification Sherloc (09022015). Collection method: clinical testing. Allele origin: germline.

NM_003737.4(DCHS1):c.8247G>C (p.Gly2749=)

Gene: DCHS1 (dachsous cadherin-related 1; minus strand). Cytogenetic location: 11p15.4.
Variant type: single nucleotide variant.
Coding change: c.8247G>C on transcript NM_003737.4 (MANE Select); coding-DNA position 8247, G replaced by C.
Protein change: p.Gly2749=; no amino-acid change (glycine 2749 retained).
Molecular consequence: synonymous variant.
Genome position (GRCh38, 1-based): chr11:6,623,429, C>G on the plus strand (G>C on the coding strand, the complement: DCHS1 is on the minus strand). VCF-style: chr11-6623429-C-G. GRCh37 (hg19) VCF-style: chr11-6644660-C-G.
Identifiers: ClinVar variation 806612 (VCV000806612.44), dbSNP rs778420931, ClinGen allele CA5859462.